The following is an entry in ClinVar:

ClinVar aggregate classification (germline): Uncertain significance (1 of 4 stars; one submission).

Submission:

CeGaT Center for Human Genetics Tuebingen
Classification: Uncertain significance. Last evaluated: 2025-09-01. Review status: criteria provided, single submitter. Criteria: CeGaT Center For Human Genetics Tuebingen Variant Classification Criteria Version 2. Collection method: clinical testing. Allele origin: germline. Affected: yes. Observed: 1 variant allele.
Comment: ACO2: PM2, PVS1:Moderate

NM_001098.3(ACO2):c.526-3_526-2del

Gene: ACO2 (aconitase 2; plus strand). Cytogenetic location: 22q13.2.
Variant type: Deletion.
Coding change: c.526-3_526-2del on transcript NM_001098.3 (MANE Select); 3 bases into the intron before coding-DNA position 526 through the canonical splice acceptor site of the intron before coding-DNA position 526, 2 bases deleted (CA; older notation c.526-3_526-2delCA).
Molecular consequence: splice acceptor variant.
Genome position (GRCh38, 1-based): chr22:41,515,374-41,515,375, CA deleted. VCF-style (leftmost placement, unchanged base first): chr22-41515373-TCA-T. GRCh37 (hg19) VCF-style: chr22-41911377-TCA-T.
Identifiers: ClinVar variation 4281539 (VCV004281539.7).